The following is an entry in ClinVar:

ClinVar aggregate classification (germline): conflicting data from submitters (0 of 4 stars; one submission).

Submission:

ISCA site 1
Classification: conflicting data from submitters. Last evaluated: 2013-04-04. Review status: no assertion criteria provided. Collection method: clinical testing. Allele origin: unknown, maternal. Affected: yes. Observed: 2 variant alleles.
Comment: Uncertain significance(1), Likely benign (1)

Copy number variation identified through the course of routine clinical cytogenomic testing in postnatal populations, with clinical assertions as classified by the original submitter. For data from the original published study, Kaminsky, et al. 2011 (PubMed 21844811), please see nstd101.

GRCh38/hg38 15q26.3(chr15:99710106-100472153)x3

Genes: ADAMTS17 (ADAM metallopeptidase with thrombospondin type 1 motif 17; minus strand), CERS3 (ceramide synthase 3; minus strand), CERS3-AS1 (CERS3 antisense RNA 1; plus strand), LYSMD4 (LysM domain containing 4; minus strand), MEF2A (myocyte enhancer factor 2A; plus strand) and 22 more. Cytogenetic location: 15q26.3.
Variant type: copy number gain.
Change: copy number 3 (three copies instead of two) of chr15:99,710,106-100,472,153 (762.0 kb, GRCh38 coordinates, 1-based), cytogenetic band 15q26.3.
Identifiers: ClinVar variation 155270 (VCV000155270.2).